The following is an entry in ClinVar:

ClinVar aggregate classification (germline): Uncertain significance. Review status: criteria provided, multiple submitters, no conflicts (2 of 4 stars). 2 submissions from 2 submitters: Uncertain significance (2). Last evaluated 2025-12-22.

Conditions:
LRP2-related disorder. Also called: LRP2-related condition.

Submissions (2):

PreventionGenetics, part of Exact Sciences
Classification: Uncertain significance for LRP2-related condition. Last evaluated: 2025-12-22. Review status: criteria provided, single submitter. Criteria: ACMG Guidelines, 2015. Collection method: clinical testing. Allele origin: germline.
Comment: The LRP2 c.8150G>C variant is predicted to result in the amino acid substitution p.Trp2717Ser. To our knowledge, this variant has not been reported in the literature or in a large population database (gnomAD), indicating this variant is rare. At this time, the clinical significance of this variant is uncertain due to the absence of conclusive functional and genetic evidence.

Labcorp Genetics (formerly Invitae), Labcorp
Classification: Uncertain significance. Last evaluated: 2022-04-09. Review status: criteria provided, single submitter. Criteria: Invitae Variant Classification Sherloc (09022015). Collection method: clinical testing. Allele origin: germline.
Comment: This sequence change replaces tryptophan, which is neutral and slightly polar, with serine, which is neutral and polar, at codon 2717 of the LRP2 protein (p.Trp2717Ser). This variant is not present in population databases (gnomAD no frequency). This variant has not been reported in the literature in individuals affected with LRP2-related conditions. Advanced modeling of protein sequence and biophysical properties (such as structural, functional, and spatial information, amino acid conservation, physicochemical variation, residue mobility, and thermodynamic stability) performed at Invitae indicates that this missense variant is expected to disrupt LRP2 protein function. In summary, the available evidence is currently insufficient to determine the role of this variant in disease. Therefore, it has been classified as a Variant of Uncertain Significance.

NM_004525.3(LRP2):c.8150G>C (p.Trp2717Ser)

Gene: LRP2 (LDL receptor related protein 2; minus strand). Cytogenetic location: 2q31.1.
Variant type: single nucleotide variant.
Coding change: c.8150G>C on transcript NM_004525.3 (MANE Select); coding-DNA position 8150, G replaced by C.
Protein change: p.Trp2717Ser; replaces tryptophan 2717 with serine.
Molecular consequence: missense variant.
Genome position (GRCh38, 1-based): chr2:169,202,815, C>G on the plus strand (G>C on the coding strand, the complement: LRP2 is on the minus strand). VCF-style: chr2-169202815-C-G. GRCh37 (hg19) VCF-style: chr2-170059325-C-G.
Other names: c.8150G>C (NM_004525.2); short protein forms W2717S.
Identifiers: ClinVar variation 1965215 (VCV001965215.3), dbSNP rs2545798120, ClinGen allele CA349166096.